The following is an entry in ClinVar:

ClinVar aggregate classification (germline): Likely benign. Review status: criteria provided, multiple submitters, no conflicts (2 of 4 stars). 2 submissions from 2 submitters: Likely benign (2). Last evaluated 2026-03-20.

Conditions:
Familial episodic pain syndrome with predominantly lower limb involvement. Also called: Episodic pain syndrome, familial, 3. Identifiers: Orphanet 391384, Orphanet 391392, MedGen C3809899, MONDO:0014247, OMIM 615552.
Hereditary sensory and autonomic neuropathy type 7. Also called: HSAN VII; Neuropathy, hereditary sensory and autonomic, type VII. Identifiers: Orphanet 391397, MedGen C3809882, MONDO:0014244, OMIM 615548.
SCN11A-related disorder. Also called: SCN11A-related condition.

Allele frequency attached by ClinVar (database versions not stated): ExAC 0.00001; gnomAD 0.00002; TOPMed 0.00002.
gnomAD v4.1: 85 of 1,613,888 alleles (0.0053%); highest among the groups gnomAD compares: Non-Finnish European, 0.0068%; no homozygotes.

Submissions (2):

PreventionGenetics, part of Exact Sciences
Classification: Likely benign for SCN11A-related condition. Last evaluated: 2026-03-20. Review status: criteria provided, single submitter. Criteria: ACMG Guidelines, 2015. Collection method: clinical testing. Allele origin: germline.
Comment: This variant is classified as likely benign based on ACMG/AMP sequence variant interpretation guidelines (Richards et al. 2015 PMID: 25741868, with internal and published modifications).

Labcorp Genetics (formerly Invitae), Labcorp
Classification: Likely benign for Familial episodic pain syndrome with predominantly lower limb involvement; Hereditary sensory and autonomic neuropathy type 7. Last evaluated: 2022-09-27. Review status: criteria provided, single submitter. Criteria: Invitae Variant Classification Sherloc (09022015). Collection method: clinical testing. Allele origin: germline.

NM_001349253.2(SCN11A):c.51C>G (p.Arg17=)

Gene: SCN11A (sodium voltage-gated channel alpha subunit 11; minus strand). Cytogenetic location: 3p22.2.
Variant type: single nucleotide variant.
Coding change: c.51C>G on transcript NM_001349253.2 (MANE Select); coding-DNA position 51, C replaced by G.
Protein change: p.Arg17=; no amino-acid change (arginine 17 retained).
Molecular consequence: synonymous variant.
Genome position (GRCh38, 1-based): chr3:38,950,312, G>C on the plus strand (C>G on the coding strand, the complement: SCN11A is on the minus strand). VCF-style: chr3-38950312-G-C. GRCh37 (hg19) VCF-style: chr3-38991803-G-C.
Other names: c.51C>G, p.Arg17= (NM_014139.3).
Identifiers: ClinVar variation 704340 (VCV000704340.8), dbSNP rs746904312, ClinGen allele CA2322790.
Genomic context (GRCh38, chr3:38,950,312, plus strand): 5'-TTTCTCCTTTTGGATGGCAATCCGCTTCTCAATTGCAGCCAGAGAGTCGGAAGTGAAGGG[G>C]CGGAAATTCCGCTCATCTGGAAAGATTACTGGGTAGCATCTGTCATCCATCTTCACCCTC-3'
Protein context (NP_001336182.1, residues 7-27): PVIFPDERNF[Arg17=]PFTSDSLAAI